The following is an entry in ClinVar:

NM_006576.4(AVIL):c.1936G>A (p.Val646Met)

Gene: AVIL (advillin; minus strand). Cytogenetic location: 12q14.1.
Variant type: single nucleotide variant.
Coding change: c.1936G>A on transcript NM_006576.4 (MANE Select); coding-DNA position 1936, G replaced by A.
Protein change: p.Val646Met; replaces valine 646 with methionine.
Molecular consequence: missense variant.
Genome position (GRCh38, 1-based): chr12:57,803,273, C>T on the plus strand (G>A on the coding strand, the complement: AVIL is on the minus strand). VCF-style: chr12-57803273-C-T. GRCh37 (hg19) VCF-style: chr12-58197056-C-T.
Other names: short protein forms V646M.
Identifiers: ClinVar variation 3036701 (VCV003036701.3), dbSNP rs1460576474, ClinGen allele CA385538157.
Genomic context (GRCh38, chr12:57,803,273, plus strand): 5'-TTCTCATGTTCTGACTTCTGCAGCTGTGTCTTACCTGGTCCCAGGTATCTAGGAGCATCA[C>T]GTCAGTAGGGTTCAGGTCATCCTGGGTGAAGTCTGTGATCTCAGTGACAACGAATTGGCC-3'
Protein context (NP_006567.3, residues 636-656): FTQDDLNPTD[Val646Met]MLLDTWDQVF

ClinVar aggregate classification (germline): Uncertain significance. Review status: criteria provided, single submitter (1 of 4 stars). 2 submissions from 2 submitters: Uncertain significance (1). 1 of the submissions does not count toward it. Last evaluated 2025-11-05.

Conditions:
AVIL-related disorder. Also called: AVIL-related condition.

Allele frequency attached by ClinVar (database versions not stated): gnomAD 0.00001; gnomAD exomes 0.00001; TOPMed 0.00003.
gnomAD v4.1: 15 of 1,614,016 alleles (0.00093%); highest among the groups gnomAD compares: East Asian, 0.016%; no homozygotes.

Submissions (2):

Ambry Genetics
Classification: Uncertain significance. Last evaluated: 2025-11-05. Review status: criteria provided, single submitter. Criteria: Ambry Variant Classification Scheme 2023. Collection method: clinical testing. Allele origin: germline.

PreventionGenetics, part of Exact Sciences
Classification: Uncertain significance for AVIL-related condition. Last evaluated: 2024-01-25. Review status: no assertion criteria provided. Collection method: clinical testing. Allele origin: germline. Not counted in ClinVar's aggregate classification.
Comment: The AVIL c.1936G>A variant is predicted to result in the amino acid substitution p.Val646Met. To our knowledge, this variant has not been reported in the literature. This variant is reported in 0.011% of alleles in individuals of East Asian descent in gnomAD. At this time, the clinical significance of this variant is uncertain due to the absence of conclusive functional and genetic evidence.